The following is an entry in ClinVar:

ClinVar aggregate classification (germline): Uncertain significance (1 of 4 stars; one submission).

Conditions:
Cystic fibrosis (CF). Also called: MUCOVISCIDOSIS. Identifiers: Orphanet 586, MedGen C0010674, MONDO:0009061, OMIM 219700. Disease mechanism: loss of function.

Submission:

Labcorp Genetics (formerly Invitae), Labcorp
Classification: Uncertain significance for Cystic fibrosis. Last evaluated: 2023-06-26. Review status: criteria provided, single submitter. Criteria: Invitae Variant Classification Sherloc (09022015). Collection method: clinical testing. Allele origin: germline.
Comment: In summary, the available evidence is currently insufficient to determine the role of this variant in disease. Therefore, it has been classified as a Variant of Uncertain Significance. Experimental studies have shown that this missense change affects CFTR function (PMID: 24777605). Advanced modeling of protein sequence and biophysical properties (such as structural, functional, and spatial information, amino acid conservation, physicochemical variation, residue mobility, and thermodynamic stability) performed at Invitae indicates that this missense variant is not expected to disrupt CFTR protein function. ClinVar contains an entry for this variant (Variation ID: 1404365). This variant has not been reported in the literature in individuals affected with CFTR-related conditions. This variant is not present in population databases (gnomAD no frequency). This sequence change replaces lysine, which is basic and polar, with arginine, which is basic and polar, at codon 710 of the CFTR protein (p.Lys710Arg).

Literature cited by the submitters: PubMed 24777605.

NM_000492.4(CFTR):c.2129A>G (p.Lys710Arg)

Gene: CFTR (CF transmembrane conductance regulator; plus strand). Cytogenetic location: 7q31.2.
Variant type: single nucleotide variant.
Coding change: c.2129A>G on transcript NM_000492.4 (MANE Select); coding-DNA position 2129, A replaced by G.
Protein change: p.Lys710Arg; replaces lysine 710 with arginine.
Molecular consequence: missense variant.
Genome position (GRCh38, 1-based): chr7:117,592,296, A>G. VCF-style: chr7-117592296-A-G. GRCh37 (hg19) VCF-style: chr7-117232350-A-G.
Other names: short protein forms K710R.
Identifiers: ClinVar variation 1404365 (VCV001404365.5), dbSNP rs2116032036, ClinGen allele CA368979893.